The following is an entry in ClinVar:

NM_000264.5(PTCH1):c.3635G>A (p.Gly1212Asp)

Gene: PTCH1 (patched 1; minus strand). Cytogenetic location: 9q22.32.
Variant type: single nucleotide variant.
Coding change: c.3635G>A on transcript NM_000264.5 (MANE Select); coding-DNA position 3635, G replaced by A.
Protein change: p.Gly1212Asp; replaces glycine 1212 with aspartic acid.
Molecular consequence: missense variant. On other transcripts: non-coding transcript variant (1).
Genome position (GRCh38, 1-based): chr9:95,449,238, C>T on the plus strand (G>A on the coding strand, the complement: PTCH1 is on the minus strand). VCF-style: chr9-95449238-C-T. GRCh37 (hg19) VCF-style: chr9-98211520-C-T.
Other names: c.3437G>A, p.Gly1146Asp (NM_001083602.3); c.3632G>A, p.Gly1211Asp (NM_001083603.3); c.3182G>A, p.Gly1061Asp (NM_001083604.3, NM_001083605.3, NM_001083606.3 and 1 more transcripts); c.3479G>A, p.Gly1160Asp (NM_001354918.2); short protein forms G1146D, G1160D, G1211D, G1061D, G1212D.
Identifiers: ClinVar variation 1733442 (VCV001733442.3), dbSNP rs2136600837, ClinGen allele CA374111252.

ClinVar aggregate classification (germline): Uncertain significance (1 of 4 stars; one submission).

Conditions:
Hereditary cancer-predisposing syndrome. Also called: Neoplastic Syndromes, Hereditary; Tumor predisposition; Hereditary Cancer Syndrome; Hereditary neoplastic syndrome. Identifiers: Orphanet 140162, MedGen C0027672, MeSH D009386, MONDO:0015356.

Submission:

Ambry Genetics
Classification: Uncertain significance for Hereditary cancer-predisposing syndrome. Last evaluated: 2025-09-11. Review status: criteria provided, single submitter. Criteria: Ambry Variant Classification Scheme 2023. Collection method: clinical testing. Allele origin: germline.
Comment: The p.G1212D variant (also known as c.3635G>A), located in coding exon 22 of the PTCH1 gene, results from a G to A substitution at nucleotide position 3635. The glycine at codon 1212 is replaced by aspartic acid, an amino acid with similar properties. This amino acid position is not well conserved in available vertebrate species. In addition, this alteration is predicted to be tolerated by in silico analysis. Based on the available evidence, the clinical significance of this variant remains unclear.